The following is an entry in ClinVar:

ClinVar aggregate classification (germline): Uncertain significance (1 of 4 stars; one submission).

Allele frequency attached by ClinVar (database versions not stated): gnomAD exomes 0.00001.
gnomAD v4.1: 11 of 1,613,480 alleles (0.00068%); highest among the groups gnomAD compares: East Asian, 0.025%; no homozygotes.

Submission:

Labcorp Genetics (formerly Invitae), Labcorp
Classification: Uncertain significance. Last evaluated: 2021-10-31. Review status: criteria provided, single submitter. Criteria: Invitae Variant Classification Sherloc (09022015). Collection method: clinical testing. Allele origin: germline.
Comment: In summary, the available evidence is currently insufficient to determine the role of this variant in disease. Therefore, it has been classified as a Variant of Uncertain Significance. This variant has not been reported in the literature in individuals affected with TANGO2-related conditions. Algorithms developed to predict the effect of missense changes on protein structure and function are either unavailable or do not agree on the potential impact of this missense change (SIFT: "Not Available"; PolyPhen-2: "Benign"; Align-GVGD: "Not Available"). This sequence change replaces aspartic acid, which is acidic and polar, with glycine, which is neutral and non-polar, at codon 211 of the TANGO2 protein (p.Asp211Gly). This variant is not present in population databases (gnomAD no frequency).

NM_152906.7(TANGO2):c.632A>G (p.Asp211Gly)

Gene: TANGO2 (transport and golgi organization 2 homolog; plus strand). Cytogenetic location: 22q11.21.
Variant type: single nucleotide variant.
Coding change: c.632A>G on transcript NM_152906.7 (MANE Select); coding-DNA position 632, A replaced by G.
Protein change: p.Asp211Gly; replaces aspartic acid 211 with glycine.
Molecular consequence: missense variant. On other transcripts: synonymous variant (5), non-coding transcript variant (5), intron variant (1).
Genome position (GRCh38, 1-based): chr22:20,063,364, A>G. VCF-style: chr22-20063364-A-G. GRCh37 (hg19) VCF-style: chr22-20050887-A-G.
Other names: c.632A>G, p.Asp211Gly (NM_001283106.3, NM_001283116.3, NM_001322142.2); c.755A>G, p.Asp252Gly (NM_001283129.3, NM_001322141.2, NM_001322143.2); c.630A>G, p.Gly210= (NM_001283148.3, NM_001283154.3); c.446A>G, p.Asp149Gly (NM_001283179.3, NM_001283186.3, NM_001322167.2 and 2 more transcripts); c.407A>G, p.Asp136Gly (NM_001283199.3); c.338A>G, p.Asp113Gly (NM_001283235.3, NM_001322171.2, NM_001322172.2 and 6 more transcripts); c.292A>G, p.Thr98Ala (NM_001283248.3); c.753A>G, p.Gly251= (NM_001322144.2); and 5 more; short protein forms D136G, D177G, D190G, D211G, D252G, T98A, D113G, D149G.
Identifiers: ClinVar variation 1487267 (VCV001487267.6), dbSNP rs928658441, ClinGen allele CA322144265.
Genomic context (GRCh38, chr22:20,063,364, plus strand): 5'-GGACTAATGGCCACCACTTCTCTCCATCCTGCAGGCAGCTGCCAGACCCGGCCATCGAGG[A>G]CCAGGGTGGGGAGTACGTGCAGCCCATGCTGAGCAAGTACGCGGCTGTGTGCGTGCGCTG-3'
Protein context (NP_690870.3, residues 201-221): EAQLPDPAIE[Asp211Gly]QGGEYVQPML